The following is an entry in ClinVar:

ClinVar aggregate classification (germline): Conflicting classifications of pathogenicity. Review status: criteria provided, conflicting classifications (1 of 4 stars). 2 submissions from 2 submitters: Uncertain significance (1); Likely benign (1). Last evaluated 2024-04-05.

Allele frequency attached by ClinVar (database versions not stated): TOPMed 0.00009; gnomAD 0.00010.
gnomAD v4.1: 291 of 1,552,258 alleles (0.019%); highest among the groups gnomAD compares: Non-Finnish European, 0.024%; no homozygotes.

Submissions (2):

GeneDx
Classification: Uncertain significance. Last evaluated: 2024-04-05. Review status: criteria provided, single submitter. Criteria: GeneDx Variant Classification Process June 2021. Collection method: clinical testing. Allele origin: germline. Affected: yes.
Comment: In silico analysis indicates that this missense variant does not alter protein structure/function; Has not been previously published as pathogenic or benign to our knowledge

Ambry Genetics
Classification: Likely benign. Last evaluated: 2023-12-28. Review status: criteria provided, single submitter. Criteria: Ambry Variant Classification Scheme 2023. Collection method: clinical testing. Allele origin: germline.

NM_001367479.1(DNAH14):c.13370G>A (p.Arg4457Gln)

Gene: DNAH14 (dynein axonemal heavy chain 14; plus strand). Cytogenetic location: 1q42.12.
Variant type: single nucleotide variant.
Coding change: c.13370G>A on transcript NM_001367479.1 (MANE Select); coding-DNA position 13370, G replaced by A.
Protein change: p.Arg4457Gln; replaces arginine 4457 with glutamine.
Molecular consequence: missense variant.
Genome position (GRCh38, 1-based): chr1:225,392,330, G>A. VCF-style: chr1-225392330-G-A. GRCh37 (hg19) VCF-style: chr1-225580032-G-A.
Other names: NM_001373.1:c.13064G>A; short protein forms R4457Q.
Identifiers: ClinVar variation 3083622 (VCV003083622.2), dbSNP rs760286141, ClinGen allele CA38496846.